The following is an entry in ClinVar:

ClinVar aggregate classification (germline): Uncertain significance (1 of 4 stars; one submission).

Conditions:
Atypical hemolytic-uremic syndrome. Identifiers: Orphanet 2134, MedGen C2931788, MONDO:0016244.

Submission:

Genomenon, Inc
Classification: Uncertain significance for Atypical hemolytic-uremic syndrome. Last evaluated: 2025-10-02. Review status: criteria provided, single submitter. Criteria: Genomenon Sequence Variant Interpretation Standards. Collection method: curation. Allele origin: germline. Affected: no.
Comment: CD46 p.Gly241Ala (c.722G>C) is a missense variant that changes the amino acid at residue 241 from Glycine to Alanine. This variant has been reported in the published literature (PMID:10960475). It is absent or not present at a significant frequency in gnomAD. In silico models agree that this variant is not damaging. In conclusion, we classify CD46 p.Gly241Ala (c.722G>C) as a variant of uncertain significance.

Literature cited by the submitters: PubMed 10960475.

NM_172351.3(CD46):c.722G>C (p.Gly241Ala)

Gene: CD46 (CD46 molecule; plus strand). Cytogenetic location: 1q32.2.
Variant type: single nucleotide variant.
Coding change: c.722G>C on transcript NM_172351.3 (MANE Select); coding-DNA position 722, G replaced by C.
Protein change: p.Gly241Ala; replaces glycine 241 with alanine.
Molecular consequence: missense variant.
Genome position (GRCh38, 1-based): chr1:207,767,061, G>C. VCF-style: chr1-207767061-G-C. GRCh37 (hg19) VCF-style: chr1-207940406-G-C.
Other names: c.722G>C, p.Gly241Ala (NM_002389.4, NM_153826.4, NM_172350.3 and 8 more transcripts); short protein forms G241A.
Identifiers: ClinVar variation 4291175 (VCV004291175.1).